The following is an entry in ClinVar:

ClinVar aggregate classification (germline): Conflicting classifications of pathogenicity. Review status: criteria provided, conflicting classifications (1 of 4 stars). 11 submissions from 11 submitters: Uncertain significance (7); Likely benign (3). 1 of the submissions does not count toward it. Last evaluated 2026-01-19.

Conditions:
Peutz-Jeghers syndrome (PJS). Also called: POLYPOSIS, HAMARTOMATOUS INTESTINAL; POLYPS-AND-SPOTS SYNDROME; Peutz-Jeghers polyposis; Periorificial lentiginosis syndrome. Identifiers: Orphanet 2869, MedGen C0031269, MeSH D010580, MONDO:0008280, OMIM 175200.
STK11-related disorder. Also called: STK11-related condition.
Hereditary cancer-predisposing syndrome. Also called: Hereditary neoplastic syndrome; Tumor predisposition; Hereditary Cancer Syndrome; Neoplastic Syndromes, Hereditary. Identifiers: Orphanet 140162, MedGen C0027672, MeSH D009386, MONDO:0015356.
Breast and/or ovarian cancer. Identifiers: MedGen CN221562.

Allele frequency attached by ClinVar (database versions not stated): gnomAD 0.00002; gnomAD exomes 0.00001 and 0.00004; TOPMed 0.00003.
gnomAD v4.1: 56 of 1,569,374 alleles (0.0036%); highest among the groups gnomAD compares: African/African-American, 0.0041%; no homozygotes.

Submissions (11):

Dasa
Classification: Uncertain significance. Last evaluated: 2026-01-19. Review status: criteria provided, single submitter. Criteria: DASA Assertion Criteria. Collection method: clinical testing. Allele origin: germline.
Comment: NM_000455.5(STK11):c.944C>T (p.Pro315Leu) is a missense variant that results in the substitution of proline with leucine. This variant is rare in population databases. Computational prediction algorithms are consistent with a benign effect. The currently available literature and clinical evidence are not sufficient to establish a definitive association between this variant and the reported condition. Therefore, this variant is classified as a variant of uncertain significance.

Labcorp Genetics (formerly Invitae), Labcorp
Classification: Likely benign for Peutz-Jeghers syndrome. Last evaluated: 2025-12-23. Review status: criteria provided, single submitter. Criteria: Invitae Variant Classification Sherloc (09022015). Collection method: clinical testing. Allele origin: germline.

Color Diagnostics, LLC DBA Color Health
Classification: Likely benign for Hereditary cancer-predisposing syndrome. Last evaluated: 2025-07-21. Review status: criteria provided, single submitter. Criteria: ACMG Guidelines, 2015. Collection method: clinical testing. Allele origin: germline.

All of Us Research Program, National Institutes of Health
Classification: Uncertain significance for Peutz-Jeghers syndrome. Last evaluated: 2024-04-25. Review status: criteria provided, single submitter. Criteria: ACMG Guidelines, 2015. Collection method: clinical testing. Allele origin: germline. Inheritance: Autosomal dominant inheritance. Observed: 3 variant alleles, 3 heterozygotes.
Comment: This missense variant replaces proline with leucine at codon 315 of the STK11 protein. Computational prediction suggests that this variant may not impact protein structure and function (internally defined REVEL score threshold <= 0.5, PMID: 27666373). To our knowledge, functional studies have not been reported for this variant. This variant has not been reported in individuals affected with hereditary cancer in the literature. This variant has been identified in 2/189020 chromosomes in the general population by the Genome Aggregation Database (gnomAD). The available evidence is insufficient to determine the role of this variant in disease conclusively. Therefore, this variant is classified as a Variant of Uncertain Significance.

This study involves interpretation of variants in research participants for the purpose of population health screening. Participant phenotype was not available at the time of variant classification. Additional details can be found in publication PMID: 35346344, PMCID: PMC8962531

GeneDx
Classification: Uncertain significance. Last evaluated: 2023-02-23. Review status: criteria provided, single submitter. Criteria: GeneDx Variant Classification Process June 2021. Collection method: clinical testing. Allele origin: germline. Affected: yes.
Comment: Not observed at a significant frequency in large population cohorts (gnomAD); In silico analysis supports that this missense variant does not alter protein structure/function; Has not been previously published as a pathogenic or benign germline variant to our knowledge; This variant is associated with the following publications: (PMID: 30171174, 12372054, 28900777)

CHEO Genetics Diagnostic Laboratory, Children's Hospital of Eastern Ontario
Classification: Uncertain significance for Breast and/or ovarian cancer. Last evaluated: 2022-03-21. Review status: criteria provided, single submitter. Criteria: ACMG Guidelines, 2015. Collection method: clinical testing. Allele origin: germline.

Genome-Nilou Lab
Classification: Uncertain significance for Peutz-Jeghers syndrome. Last evaluated: 2021-07-15. Review status: criteria provided, single submitter. Criteria: ACMG Guidelines, 2015. Collection method: clinical testing. Allele origin: germline. Affected: no.

Women's Health and Genetics/Laboratory Corporation of America, LabCorp
Classification: Uncertain significance. Last evaluated: 2021-05-29. Review status: criteria provided, single submitter. Criteria: LabCorp Variant Classification Summary - May 2015. Collection method: clinical testing. Allele origin: germline.
Comment: Variant summary: STK11 c.944C>T (p.Pro315Leu) results in a non-conservative amino acid change in the encoded protein sequence. Four of five in-silico tools predict a benign effect of the variant on protein function. The variant allele was found at a frequency of 1.1e-05 in 189020 control chromosomes. The available data on variant occurrences in the general population are insufficient to allow any conclusion about variant significance. To our knowledge, no occurrence of c.944C>T in individuals affected with Peutz-Jeghers Syndrome and no experimental evidence demonstrating its impact on protein function have been reported. Four clinical diagnostic laboratories have submitted clinical-significance assessments for this variant to ClinVar after 2014 without evidence for independent evaluation. Multiple laboratories reported the variant with conflicting assessments (VUS, n=2; Likely benign, n=2). Based on the evidence outlined above, the variant was classified as uncertain significance.

Quest Diagnostics Nichols Institute San Juan Capistrano
Classification: Uncertain significance. Last evaluated: 2020-04-17. Review status: criteria provided, single submitter. Criteria: Quest Diagnostics criteria. Collection method: clinical testing. Allele origin: unknown.

Ambry Genetics
Classification: Likely benign for Hereditary cancer-predisposing syndrome. Last evaluated: 2018-10-01. Review status: criteria provided, single submitter. Criteria: Ambry Variant Classification Scheme 2023. Collection method: clinical testing. Allele origin: germline.

PreventionGenetics, part of Exact Sciences
Classification: Uncertain significance for STK11-related condition. Last evaluated: 2024-09-22. Review status: no assertion criteria provided. Collection method: clinical testing. Allele origin: germline. Not counted in ClinVar's aggregate classification.
Comment: The STK11 c.944C>T variant is predicted to result in the amino acid substitution p.Pro315Leu. To our knowledge, this variant has not been reported in the literature. This variant is reported in 0.0040% of alleles in individuals of South Asian descent in gnomAD. This variant has conflicting interpretations in ClinVar ranging from uncertain significance to likely benign. At this time, the clinical significance of this variant is uncertain due to the absence of conclusive functional and genetic evidence.

NM_000455.5(STK11):c.944C>T (p.Pro315Leu)

Gene: STK11 (serine/threonine kinase 11; plus strand). Cytogenetic location: 19p13.3.
Variant type: single nucleotide variant.
Coding change: c.944C>T on transcript NM_000455.5 (MANE Select); coding-DNA position 944, C replaced by T.
Protein change: p.Pro315Leu; replaces proline 315 with leucine.
Molecular consequence: missense variant.
Genome position (GRCh38, 1-based): chr19:1,223,008, C>T. VCF-style: chr19-1223008-C-T. GRCh37 (hg19) VCF-style: chr19-1223007-C-T.
Other names: short protein forms P315L.
Identifiers: ClinVar variation 403790 (VCV000403790.32), dbSNP rs766958608, ClinGen allele CA16616024.